The following is an entry in ClinVar:

NM_000065.5(C6):c.1865C>T (p.Pro622Leu)

Gene: C6 (complement C6; minus strand). Cytogenetic location: 5p13.1.
Variant type: single nucleotide variant.
Coding change: c.1865C>T on transcript NM_000065.5 (MANE Select); coding-DNA position 1865, C replaced by T.
Protein change: p.Pro622Leu; replaces proline 622 with leucine.
Molecular consequence: missense variant.
Genome position (GRCh38, 1-based): chr5:41,158,777, G>A on the plus strand (C>T on the coding strand, the complement: C6 is on the minus strand). VCF-style: chr5-41158777-G-A. GRCh37 (hg19) VCF-style: chr5-41158879-G-A.
Other names: c.1865C>T, p.Pro622Leu (NM_001115131.4); short protein forms P622L.
Identifiers: ClinVar variation 1999334 (VCV001999334.5), dbSNP rs750486659, ClinGen allele CA3252291.

ClinVar aggregate classification (germline): Uncertain significance. Review status: criteria provided, multiple submitters, no conflicts (2 of 4 stars). 2 submissions from 2 submitters: Uncertain significance (2). Last evaluated 2025-12-09.

Conditions:
Inborn genetic diseases. Identifiers: MedGen C0950123, MeSH D030342.

Allele frequency attached by ClinVar (database versions not stated): ExAC 0.00001; TOPMed 0.00001.
gnomAD v4.1: 4 of 1,558,410 alleles (0.00026%); highest among the groups gnomAD compares: Admixed American, 0.005%; no homozygotes.

Submissions (2):

Ambry Genetics
Classification: Uncertain significance for Inborn genetic diseases. Last evaluated: 2025-12-09. Review status: criteria provided, single submitter. Criteria: Ambry Variant Classification Scheme 2023. Collection method: clinical testing. Allele origin: germline.

Labcorp Genetics (formerly Invitae), Labcorp
Classification: Uncertain significance. Last evaluated: 2024-11-04. Review status: criteria provided, single submitter. Criteria: Invitae Variant Classification Sherloc (09022015). Collection method: clinical testing. Allele origin: germline.
Comment: This sequence change replaces proline, which is neutral and non-polar, with leucine, which is neutral and non-polar, at codon 622 of the C6 protein (p.Pro622Leu). This variant is present in population databases (rs750486659, gnomAD 0.006%). This variant has not been reported in the literature in individuals affected with C6-related conditions. ClinVar contains an entry for this variant (Variation ID: 1999334). An algorithm developed to predict the effect of missense changes on protein structure and function outputs the following: PolyPhen-2: "Benign". The leucine amino acid residue is found in multiple mammalian species, which suggests that this missense change does not adversely affect protein function. In summary, the available evidence is currently insufficient to determine the role of this variant in disease. Therefore, it has been classified as a Variant of Uncertain Significance.